The following is an entry in ClinVar:

ClinVar aggregate classification (germline): Conflicting classifications of pathogenicity. Review status: criteria provided, conflicting classifications (1 of 4 stars). 2 submissions from 2 submitters: Uncertain significance (1); Likely benign (1). Last evaluated 2022-12-01.

Allele frequency attached by ClinVar (database versions not stated): gnomAD exomes 0.00011; ExAC 0.00017; ESP Exome Variant Server 0.00019; 1000 Genomes Project 30x 0.00021; gnomAD 0.00024; TOPMed 0.00025; 1000 Genomes Project 0.00026.
gnomAD v4.1: 149 of 1,210,065 alleles (0.012%); highest among the groups gnomAD compares: Middle Eastern, 0.069%; no homozygotes.

Submissions (2):

CeGaT Center for Human Genetics Tuebingen
Classification: Likely benign. Last evaluated: 2022-12-01. Review status: criteria provided, single submitter. Criteria: CeGaT Center For Human Genetics Tuebingen Variant Classification Criteria Version 2. Collection method: clinical testing. Allele origin: germline. Affected: yes. Observed: 1 variant allele.
Comment: TLR8: BP4, BS2

Ambry Genetics
Classification: Uncertain significance. Last evaluated: 2021-09-01. Review status: criteria provided, single submitter. Criteria: Ambry Variant Classification Scheme 2023. Collection method: clinical testing. Allele origin: germline.

NM_138636.5(TLR8):c.79G>A (p.Glu27Lys)

Genes: TLR8 (toll like receptor 8; plus strand), TLR8-AS1 (TLR8 antisense RNA 1; minus strand). Cytogenetic location: Xp22.2.
Variant type: single nucleotide variant.
Coding change: c.79G>A on transcript NM_138636.5 (MANE Select); coding-DNA position 79, G replaced by A.
Protein change: p.Glu27Lys; replaces glutamic acid 27 with lysine.
Molecular consequence: missense variant.
Genome position (GRCh38, 1-based): chrX:12,919,119, G>A. VCF-style: chrX-12919119-G-A. GRCh37 (hg19) VCF-style: chrX-12937238-G-A.
Other names: c.133G>A, p.Glu45Lys (NM_016610.4); short protein forms E45K, E27K.
Identifiers: ClinVar variation 2227243 (VCV002227243.26), dbSNP rs144647258, ClinGen allele CA10350176.